The following is an entry in ClinVar:

ClinVar aggregate classification (germline): Uncertain significance. Review status: criteria provided, multiple submitters, no conflicts (2 of 4 stars). 3 submissions from 3 submitters: Uncertain significance (3). Last evaluated 2026-04-17.

Conditions:
SPTAN1-related disorder. Also called: SPTAN1-related condition; SPTAN1-related disorders.
Early-infantile DEE. Also called: Ohtahara syndrome; Early infantile epileptic encephalopathy with suppression bursts; Early infantile epileptic encephalopathy. Identifiers: Orphanet 1934, MedGen C0393706, MONDO:0800491.

Allele frequency attached by ClinVar (database versions not stated): TOPMed below 0.00001; ExAC 0.00001; gnomAD 0.00001; gnomAD exomes 0.00001 and 0.00003.
gnomAD v4.1: 45 of 1,614,062 alleles (0.0028%); highest among the groups gnomAD compares: Non-Finnish European, 0.0037%; no homozygotes.

Submissions (3):

PreventionGenetics, part of Exact Sciences
Classification: Uncertain significance for SPTAN1-related condition. Last evaluated: 2026-04-17. Review status: criteria provided, single submitter. Criteria: ACMG Guidelines, 2015. Collection method: clinical testing. Allele origin: germline.
Comment: The SPTAN1 c.2647C>T variant is predicted to result in the amino acid substitution p.Arg883Trp. To our knowledge, this variant has not been reported in the literature. This variant is reported in 0.0033% of alleles in individuals of South Asian descent in gnomAD. At this time, the clinical significance of this variant is uncertain due to the absence of conclusive functional and genetic evidence.

Labcorp Genetics (formerly Invitae), Labcorp
Classification: Uncertain significance for Early-infantile DEE. Last evaluated: 2025-12-16. Review status: criteria provided, single submitter. Criteria: Invitae Variant Classification Sherloc (09022015). Collection method: clinical testing. Allele origin: germline.
Comment: This sequence change replaces arginine, which is basic and polar, with tryptophan, which is neutral and slightly polar, at codon 883 of the SPTAN1 protein (p.Arg883Trp). This variant is present in population databases (rs770641858, gnomAD 0.003%). This variant has not been reported in the literature in individuals affected with SPTAN1-related conditions. ClinVar contains an entry for this variant (Variation ID: 1335740). Invitae Evidence Modeling of protein sequence and biophysical properties (such as structural, functional, and spatial information, amino acid conservation, physicochemical variation, residue mobility, and thermodynamic stability) has been performed for this missense variant. However, the output from this modeling did not meet the statistical confidence thresholds required to predict the impact of this variant on SPTAN1 protein function. In summary, the available evidence is currently insufficient to determine the role of this variant in disease. Therefore, it has been classified as a Variant of Uncertain Significance.

CeGaT Center for Human Genetics Tuebingen
Classification: Uncertain significance. Last evaluated: 2021-12-01. Review status: criteria provided, single submitter. Criteria: CeGaT Center For Human Genetics Tuebingen Variant Classification Criteria Version 2. Collection method: clinical testing. Allele origin: germline. Affected: yes. Observed: 1 variant allele.

NM_001130438.3(SPTAN1):c.2647C>T (p.Arg883Trp)

Gene: SPTAN1 (spectrin alpha, non-erythrocytic 1; plus strand). Cytogenetic location: 9q34.11.
Variant type: single nucleotide variant.
Coding change: c.2647C>T on transcript NM_001130438.3 (MANE Select); coding-DNA position 2647, C replaced by T.
Protein change: p.Arg883Trp; replaces arginine 883 with tryptophan.
Molecular consequence: missense variant.
Genome position (GRCh38, 1-based): chr9:128,585,834, C>T. VCF-style: chr9-128585834-C-T. GRCh37 (hg19) VCF-style: chr9-131348113-C-T.
Other names: c.2647C>T, p.Arg883Trp (NM_001195532.2, NM_001363759.2, NM_001363765.2 and 5 more transcripts); c.2683C>T, p.Arg895Trp (NM_001375312.2, NM_001375318.1); c.2647C>T (NM_001130438.2); short protein forms R883W, R895W.
Identifiers: ClinVar variation 1335740 (VCV001335740.40), dbSNP rs770641858, ClinGen allele CA5264694.
Genomic context (GRCh38, chr9:128,585,834, plus strand): 5'-GCCAAGCTTCACGAGCTGAACCAAAAGTGGGAGGCACTGAAAGCCAAAGCTTCCCAGCGT[C>T]GGCAGGACCTGGAGGACTCTCTGCAGGCCCAGCAGTACTTTGCTGATGCTAACGAGGCTG-3'
Protein context (NP_001123910.1, residues 873-893): EALKAKASQR[Arg883Trp]QDLEDSLQAQ